The following is an entry in ClinVar:

NM_004369.4(COL6A3):c.4113G>C (p.Arg1371Ser)

Gene: COL6A3 (collagen type VI alpha 3 chain; minus strand). Cytogenetic location: 2q37.3.
Variant type: single nucleotide variant.
Coding change: c.4113G>C on transcript NM_004369.4 (MANE Select); coding-DNA position 4113, G replaced by C.
Protein change: p.Arg1371Ser; replaces arginine 1371 with serine.
Molecular consequence: missense variant.
Genome position (GRCh38, 1-based): chr2:237,371,904, C>G on the plus strand (G>C on the coding strand, the complement: COL6A3 is on the minus strand). VCF-style: chr2-237371904-C-G. GRCh37 (hg19) VCF-style: chr2-238280547-C-G.
Other names: c.2892G>C, p.Arg964Ser (NM_057164.5); c.3495G>C, p.Arg1165Ser (NM_057165.5, NM_057167.4); c.2292G>C, p.Arg764Ser (NM_057166.5); short protein forms R764S, R964S, R1165S, R1371S.
Identifiers: ClinVar variation 2970415 (VCV002970415.3), dbSNP rs1461981213, ClinGen allele CA351196953.

ClinVar aggregate classification (germline): Uncertain significance (1 of 4 stars; one submission).

Conditions:
Bethlem myopathy 1A. Also called: MYOPATHY, BENIGN CONGENITAL, WITH CONTRACTURES; Bethlem myopathy 1; Bethlem Muscular Dystrophy. Identifiers: Orphanet 610, MedGen CN029274, MONDO:0024530, OMIM 158810.

gnomAD v4.1: 1 of 1,613,942 alleles (0.000062%); highest among the groups gnomAD compares: South Asian, 0.0011%; no homozygotes.

Submission:

Labcorp Genetics (formerly Invitae), Labcorp
Classification: Uncertain significance for Bethlem myopathy 1A. Last evaluated: 2023-06-27. Review status: criteria provided, single submitter. Criteria: Invitae Variant Classification Sherloc (09022015). Collection method: clinical testing. Allele origin: germline.
Comment: This sequence change replaces arginine, which is basic and polar, with serine, which is neutral and polar, at codon 1371 of the COL6A3 protein (p.Arg1371Ser). This variant is present in population databases (no rsID available, gnomAD 0.003%). This variant has not been reported in the literature in individuals affected with COL6A3-related conditions. Advanced modeling of protein sequence and biophysical properties (such as structural, functional, and spatial information, amino acid conservation, physicochemical variation, residue mobility, and thermodynamic stability) performed at Invitae indicates that this missense variant is not expected to disrupt COL6A3 protein function. In summary, the available evidence is currently insufficient to determine the role of this variant in disease. Therefore, it has been classified as a Variant of Uncertain Significance.